The following is an entry in ClinVar:

NM_005343.4(HRAS):c.460G>A (p.Asp154Asn)

Genes: HRAS (HRas proto-oncogene, GTPase; minus strand), LRRC56 (leucine rich repeat containing 56; plus strand). Cytogenetic location: 11p15.5.
Variant type: single nucleotide variant.
Coding change: c.460G>A on transcript NM_005343.4 (MANE Select); coding-DNA position 460, G replaced by A.
Protein change: p.Asp154Asn; replaces aspartic acid 154 with asparagine.
Molecular consequence: missense variant. On other transcripts: 3 prime UTR variant (1).
Genome position (GRCh38, 1-based): chr11:532,746, C>T on the plus strand (G>A on the coding strand, the complement: HRAS is on the minus strand). VCF-style: chr11-532746-C-T. GRCh37 (hg19) VCF-style: chr11-532746-C-T.
Other names: p.Asp154Asn; c.460G>A, p.Asp154Asn (NM_001130442.3); c.223G>A, p.Asp75Asn (NM_001318054.2); c.*29G>A (NM_176795.5); short protein forms D154N, D75N.
Identifiers: ClinVar variation 40445 (VCV000040445.19), dbSNP rs745497215, ClinGen allele CA5779226.

ClinVar aggregate classification (germline): Conflicting classifications of pathogenicity. Review status: criteria provided, conflicting classifications (1 of 4 stars). 6 submissions from 6 submitters: Uncertain significance (3); Likely benign (3). Last evaluated 2026-01-11.

Conditions:
Cardiovascular phenotype. Identifiers: MedGen CN230736.
Costello syndrome (CSTLO). Also called: FACIOCUTANEOSKELETAL SYNDROME; FCS SYNDROME; HRAS-Related Costello Syndrome. Identifiers: Orphanet 3071, MedGen C0587248, MONDO:0009026, OMIM 218040.

Allele frequency attached by ClinVar (database versions not stated): ExAC 0.00002; gnomAD exomes 0.00002 and 0.00003; gnomAD 0.00003 and 0.00004; TOPMed 0.00008.
gnomAD v4.1: 22 of 1,612,728 alleles (0.0014%); highest among the groups gnomAD compares: Admixed American, 0.017%; no homozygotes.

Submissions (6):

Labcorp Genetics (formerly Invitae), Labcorp
Classification: Likely benign for Costello syndrome. Last evaluated: 2026-01-11. Review status: criteria provided, single submitter. Criteria: Invitae Variant Classification Sherloc (09022015). Collection method: clinical testing. Allele origin: germline.

Women's Health and Genetics/Laboratory Corporation of America, LabCorp
Classification: Uncertain significance. Last evaluated: 2025-12-29. Review status: criteria provided, single submitter. Criteria: LabCorp Variant Classification Summary - May 2015. Collection method: clinical testing. Allele origin: germline.
Comment: Variant summary: HRAS c.460G>A (p.Asp154Asn) results in a conservative amino acid change in the encoded protein sequence. Algorithms developed to predict the effect of missense changes on protein structure and function are either unavailable or do not agree on the potential impact of this missense change. The variant allele was found at a frequency of 2.8e-05 in 247850 control chromosomes. The available data on variant occurrences in the general population are insufficient to allow any conclusion about variant significance. c.460G>A has been observed in at least 2 individuals undergoing testing for features of Noonan Syndrome And Related Conditions (example, Leach_2019, Salazar-Mendigucha_2020). These report(s) do not provide unequivocal conclusions about association of the variant with Noonan Syndrome And Related Conditions. To our knowledge, no experimental evidence demonstrating an impact on protein function has been reported. The following publications have been ascertained in the context of this evaluation (PMID: 29907801, 21572417, 29654263, 33035702). ClinVar contains an entry for this variant (Variation ID: 40445). Based on the evidence outlined above, the variant was classified as uncertain significance.

Ambry Genetics
Classification: Uncertain significance for Cardiovascular phenotype. Last evaluated: 2025-06-17. Review status: criteria provided, single submitter. Criteria: Ambry Variant Classification Scheme 2023. Collection method: clinical testing. Allele origin: germline.
Comment: The p.D154N variant (also known as c.460G>A), located in coding exon 4 of the HRAS gene, results from a G to A substitution at nucleotide position 460. The aspartic acid at codon 154 is replaced by asparagine, an amino acid with highly similar properties. This variant was reported in individual(s) in a Noonan syndrome cohort (Leach NT et al. Genet Med, 2019 Feb;21:417-425). This amino acid position is well conserved in available vertebrate species. In addition, this alteration is predicted to be tolerated by in silico analysis. Based on the available evidence, the clinical significance of this variant remains unclear.

GeneDx
Classification: Likely benign. Last evaluated: 2024-02-13. Review status: criteria provided, single submitter. Criteria: GeneDx Variant Classification Process June 2021. Collection method: clinical testing. Allele origin: germline. Affected: yes.
Comment: See Variant Classification Assertion Criteria.

Mayo Clinic Laboratories, Mayo Clinic
Classification: Uncertain significance. Last evaluated: 2024-02-07. Review status: criteria provided, single submitter. Criteria: ACMG Guidelines, 2015. Collection method: clinical testing. Allele origin: germline. Observed: 2 variant alleles.
Comment: BP4, BP5, PP2, PS4_supporting

Blueprint Genetics
Classification: Likely benign. Last evaluated: 2023-03-29. Review status: criteria provided, single submitter. Criteria: ACMG Guidelines, 2015. Collection method: clinical testing. Allele origin: germline.

Literature cited by the submitters: PubMed 29907801 (cited by 3 submitters); PubMed 29654263 (cited by Women's Health and Genetics/Laboratory Corporation of America, LabCorp); PubMed 33035702 (cited by Women's Health and Genetics/Laboratory Corporation of America, LabCorp); PubMed 21572417 (cited by Women's Health and Genetics/Laboratory Corporation of America, LabCorp).